The following is an entry in ClinVar:

ClinVar aggregate classification (germline): Uncertain significance (1 of 4 stars; one submission).

Submission:

GeneDx
Classification: Uncertain significance. Last evaluated: 2024-04-22. Review status: criteria provided, single submitter. Criteria: GeneDx Variant Classification Process June 2021. Collection method: clinical testing. Allele origin: germline. Affected: yes.
Comment: Not observed at significant frequency in large population cohorts (gnomAD); In silico analysis indicates that this missense variant does not alter protein structure/function; Has not been previously published as pathogenic or benign to our knowledge

NM_001145358.2(SIN3A):c.1908A>G (p.Ile636Met)

Gene: SIN3A (SIN3 transcription regulator family member A; minus strand). Cytogenetic location: 15q24.2.
Variant type: single nucleotide variant.
Coding change: c.1908A>G on transcript NM_001145358.2 (MANE Select); coding-DNA position 1908, A replaced by G.
Protein change: p.Ile636Met; replaces isoleucine 636 with methionine.
Molecular consequence: missense variant.
Genome position (GRCh38, 1-based): chr15:75,396,443, T>C on the plus strand (A>G on the coding strand, the complement: SIN3A is on the minus strand). VCF-style: chr15-75396443-T-C. GRCh37 (hg19) VCF-style: chr15-75688784-T-C.
Other names: c.1908A>G, p.Ile636Met (NM_001145357.2, NM_015477.3); short protein forms I636M.
Identifiers: ClinVar variation 1313731 (VCV001313731.3), dbSNP rs1330910882, ClinGen allele CA393495491.
Genomic context (GRCh38, chr15:75,396,443, plus strand): 5'-GGTGTTGTCCAAGCGAAATTTGGCTTGTTCTTCAGCAGACAAGCGGGAAAGCTTCTTCTG[T>C]ATTGCTTCCAGAACCCGGATTGTTGCCAGATTGGTCTCTAAAACTACATCAAGCTGAAGA-3'
Protein context (NP_001138830.1, residues 626-646): NLATIRVLEA[Ile636Met]QKKLSRLSAE